The following is an entry in ClinVar:

ClinVar aggregate classification (germline): Uncertain significance (1 of 4 stars; one submission).

Allele frequency attached by ClinVar (database versions not stated): gnomAD exomes 0.00002; ExAC 0.00012; gnomAD 0.00026; TOPMed 0.00031; ESP Exome Variant Server 0.00038.
gnomAD v4.1: 72 of 1,613,810 alleles (0.0045%); highest among the groups gnomAD compares: African/African-American, 0.081%; no homozygotes.

Submission:

Labcorp Genetics (formerly Invitae), Labcorp
Classification: Uncertain significance. Last evaluated: 2025-12-01. Review status: criteria provided, single submitter. Criteria: Invitae Variant Classification Sherloc (09022015). Collection method: clinical testing. Allele origin: germline.
Comment: This sequence change falls in intron 6 of the C6 gene. It does not directly change the encoded amino acid sequence of the C6 protein. It affects a nucleotide within the consensus splice site. This variant is present in population databases (rs367869052, gnomAD 0.1%). This variant has not been reported in the literature in individuals affected with C6-related conditions. ClinVar contains an entry for this variant (Variation ID: 2181180). Variants that disrupt the consensus splice site are a relatively common cause of aberrant splicing (PMID: 17576681, 9536098). Algorithms developed to predict the effect of sequence changes on RNA splicing suggest that this variant is not likely to affect RNA splicing. In summary, the available evidence is currently insufficient to determine the role of this variant in disease. Therefore, it has been classified as a Variant of Uncertain Significance.

Literature cited by the submitters: PubMed 17576681; PubMed 9536098.

NM_000065.5(C6):c.726+4T>C

Gene: C6 (complement C6; minus strand). Cytogenetic location: 5p13.1.
Variant type: single nucleotide variant.
Coding change: c.726+4T>C on transcript NM_000065.5 (MANE Select); 4 bases into the intron after coding-DNA position 726, T replaced by C.
Molecular consequence: intron variant.
Genome position (GRCh38, 1-based): chr5:41,186,066, A>G on the plus strand (T>C on the coding strand, the complement: C6 is on the minus strand). VCF-style: chr5-41186066-A-G. GRCh37 (hg19) VCF-style: chr5-41186168-A-G.
Other names: c.726+4T>C (NM_001115131.4).
Identifiers: ClinVar variation 2181180 (VCV002181180.4), dbSNP rs367869052, ClinGen allele CA3252687.
Genomic context (GRCh38, chr5:41,186,066, plus strand): 5'-CATGAGAAATTTAGCTTATAATCACTGACGGTGTTGGAGTTGCCACCATGCTAGGCTGTC[A>G]TACCTCAAAGCCGACATTTTCCAGATTGGCCGGAACACGGTATGGATTACTTGTCCTACT-3'